The following is an entry in ClinVar:

NM_030930.4(UNC93B1):c.626C>T (p.Pro209Leu)

Gene: UNC93B1 (unc-93B1 regulator of TLR signaling; minus strand). Cytogenetic location: 11q13.2.
Variant type: single nucleotide variant.
Coding change: c.626C>T on transcript NM_030930.4 (MANE Select); coding-DNA position 626, C replaced by T.
Protein change: p.Pro209Leu; replaces proline 209 with leucine.
Molecular consequence: missense variant.
Genome position (GRCh38, 1-based): chr11:67,999,234, G>A on the plus strand (C>T on the coding strand, the complement: UNC93B1 is on the minus strand). VCF-style: chr11-67999234-G-A. GRCh37 (hg19) VCF-style: chr11-67766704-G-A.
Other names: short protein forms P209L.
Identifiers: ClinVar variation 470499 (VCV000470499.36), dbSNP rs144399212, ClinGen allele CA6145590.
Genomic context (GRCh38, chr11:67,999,234, plus strand): 5'-TGGAAGAAGCTGTAGAAGATGGCTTGGAAGACCAGGAGATAGGGCGCGTGGGAGCCCCGC[G>A]GAGGCCGCTGCTTCATCCCCTGCCCATCCTGCTCCTTGTAGTGGGAGTACTCATGGTACT-3'
Protein context (NP_112192.2, residues 199-219): QDGQGMKQRP[Pro209Leu]RGSHAPYLLV

ClinVar aggregate classification (germline): Benign/Likely benign. Review status: criteria provided, multiple submitters, no conflicts (2 of 4 stars). 3 submissions from 3 submitters: Benign (2); Likely benign (1). Last evaluated 2026-09-01.

Conditions:
Encephalopathy, acute, infection-induced (herpes-specific), susceptibility to, 1. Also called: Herpes simplex encephalitis, susceptibility to, 1. Identifiers: Orphanet 1930, MedGen C2750180, MONDO:0024563, OMIM 610551.

Allele frequency attached by ClinVar (database versions not stated): gnomAD 0.00265 and 0.00282; 1000 Genomes Project 0.00280; ExAC 0.00374; 1000 Genomes Project 30x 0.00281; TOPMed 0.00342; ESP Exome Variant Server 0.00201; gnomAD exomes 0.00288 and 0.00388.
gnomAD v4.1: 4,767 of 1,613,944 alleles (0.3%); highest among the groups gnomAD compares: Middle Eastern, 3.7%; 24 homozygotes.

Submissions (3):

CeGaT Center for Human Genetics Tuebingen
Classification: Likely benign. Last evaluated: 2026-09-01. Review status: criteria provided, single submitter. Criteria: CeGaT Center For Human Genetics Tuebingen Variant Classification Criteria Version 2. Collection method: clinical testing. Allele origin: germline. Affected: yes. Observed: 12 variant alleles.
Comment: UNC93B1: BS2

Labcorp Genetics (formerly Invitae), Labcorp
Classification: Benign for Encephalopathy, acute, infection-induced (herpes-specific), susceptibility to, 1. Last evaluated: 2026-02-01. Review status: criteria provided, single submitter. Criteria: Invitae Variant Classification Sherloc (09022015). Collection method: clinical testing. Allele origin: germline.

Breakthrough Genomics
Classification: Benign. Review status: criteria provided, single submitter. Criteria: ACMG Guidelines, 2015. Collection method: not provided. Allele origin: germline. Inheritance: Unknown mechanism. Affected: yes.